The following is an entry in ClinVar:

NM_006891.4(CRYGD):c.238C>T (p.Arg80Cys)

Genes: CRYGD (crystallin gamma D; minus strand), LOC100507443 (uncharacterized LOC100507443; plus strand). Cytogenetic location: 2q33.3.
Variant type: single nucleotide variant.
Coding change: c.238C>T on transcript NM_006891.4 (MANE Select); coding-DNA position 238, C replaced by T.
Protein change: p.Arg80Cys; replaces arginine 80 with cysteine.
Molecular consequence: missense variant.
Genome position (GRCh38, 1-based): chr2:208,124,126, G>A on the plus strand (C>T on the coding strand, the complement: CRYGD is on the minus strand). VCF-style: chr2-208124126-G-A. GRCh37 (hg19) VCF-style: chr2-208988850-G-A.
Other names: short protein forms R80C.
Identifiers: ClinVar variation 897168 (VCV000897168.4), dbSNP rs768608809, ClinGen allele CA2077701.

ClinVar aggregate classification (germline): Likely benign (1 of 4 stars; one submission).

Conditions:
Cataract 4 multiple types. Also called: CATARACT 4, PUNCTATE; CATARACT 4, CRYSTALLINE; CATARACT 4, CENTRAL NUCLEAR; CATARACT 4, NONNUCLEAR POLYMORPHIC CONGENITAL; CATARACT 4, ACULEIFORM; CATARACT 4, MULTIPLE TYPES, WITH OR WITHOUT MICROCORNEA. Identifiers: Orphanet 1377, MedGen C3540850, MONDO:0007281, OMIM 115700.

Allele frequency attached by ClinVar (database versions not stated): gnomAD exomes 0.00002 and 0.00009; TOPMed 0.00002; gnomAD 0.00004 and 0.00005; ExAC 0.00007.
gnomAD v4.1: 30 of 1,611,682 alleles (0.0019%); highest among the groups gnomAD compares: Admixed American, 0.032%; no homozygotes.

Submission:

Illumina Laboratory Services, Illumina
Classification: Likely benign for Cataract 4 multiple types. Last evaluated: 2018-01-13. Review status: criteria provided, single submitter. Criteria: ICSL Variant Classification Criteria 13 December 2019. Collection method: clinical testing. Allele origin: germline.
Comment: This variant was observed in the ICSL laboratory as part of a predisposition screen in an ostensibly healthy population. It had not been previously curated by ICSL or reported in the Human Gene Mutation Database (HGMD: prior to June 1st, 2018), and was therefore a candidate for classification through an automated scoring system. Utilizing variant allele frequency, disease prevalence and penetrance estimates, and inheritance mode, an automated score was calculated to assess if this variant is too frequent to cause the disease. Based on the score and internal cut-off values, a variant classified as likely benign is not then subjected to further curation. The score for this variant resulted in a classification of likely benign for this disease.